The following is an entry in ClinVar:

ClinVar aggregate classification (germline): Uncertain significance (1 of 4 stars; one submission).

Allele frequency attached by ClinVar (database versions not stated): gnomAD exomes below 0.00001.
gnomAD v4.1: 1 of 1,284,402 alleles (0.000078%); highest among the groups gnomAD compares: East Asian, 0.0032%; no homozygotes.

Submission:

Labcorp Genetics (formerly Invitae), Labcorp
Classification: Uncertain significance. Last evaluated: 2024-04-09. Review status: criteria provided, single submitter. Criteria: Invitae Variant Classification Sherloc (09022015). Collection method: clinical testing. Allele origin: germline.
Comment: This sequence change replaces proline, which is neutral and non-polar, with serine, which is neutral and polar, at codon 153 of the AVP protein (p.Pro153Ser). This variant is not present in population databases (gnomAD no frequency). This variant has not been reported in the literature in individuals affected with AVP-related conditions. An algorithm developed to predict the effect of missense changes on protein structure and function (PolyPhen-2) suggests that this variant is likely to be tolerated. In summary, the available evidence is currently insufficient to determine the role of this variant in disease. Therefore, it has been classified as a Variant of Uncertain Significance.

NM_000490.5(AVP):c.457C>T (p.Pro153Ser)

Gene: AVP (arginine vasopressin; minus strand). Cytogenetic location: 20p13.
Variant type: single nucleotide variant.
Coding change: c.457C>T on transcript NM_000490.5 (MANE Select); coding-DNA position 457, C replaced by T.
Protein change: p.Pro153Ser; replaces proline 153 with serine.
Molecular consequence: missense variant.
Genome position (GRCh38, 1-based): chr20:3,082,668, G>A on the plus strand (C>T on the coding strand, the complement: AVP is on the minus strand). VCF-style: chr20-3082668-G-A. GRCh37 (hg19) VCF-style: chr20-3063314-G-A.
Other names: short protein forms P153S.
Identifiers: ClinVar variation 2815344 (VCV002815344.3), dbSNP rs1384062604, ClinGen allele CA408061181.